The following continues an entry in ClinVar:

NM_007294.4(BRCA1):c.5123C>A (p.Ala1708Glu)

Gene: BRCA1. ClinVar aggregate classification (germline): Pathogenic. Pathogenic (1).

Submissions 21 to 37 of 42:

ARUP Laboratories, Molecular Genetics and Genomics, ARUP Laboratories
Classification: Pathogenic. Last evaluated: 2020-10-05. Review status: criteria provided, single submitter. Criteria: ARUP Molecular Germline Variant Investigation Process 2021. Collection method: clinical testing. Allele origin: germline. Not counted in ClinVar's aggregate classification.
Comment: The BRCA1 c.5123C>A; p.Ala1708Glu variant (rs28897696), also known as 5242C>A, is a common recurrent variant in the Spanish population (de la Hoya 2002, Futreal 1994, Sanz 2010), and functional assays have confirmed this variant causes loss of function (Findlay 2018, Sanz 2010). This variant is classified as pathogenic by an expert review panel in ClinVar (Variation ID: 55407). It is found in the general population with a low overall allele frequency of 0.002% (5/251312 alleles) in the Genome Aggregation Database. The alanine at codon 1708 is highly conserved, and computational analyses (SIFT, PolyPhen-2) predict that this variant is deleterious. Based on available information, this variant is considered to be pathogenic. References: de la Hoya M et al. Association between BRCA1 and BRCA2 mutations and cancer phenotype in Spanish breast/ovarian cancer families: implications for genetic testing. Int J Cancer. 2002 Feb 1;97(4):466-71. Findlay GM et al. Accurate classification of BRCA1 variants with saturation genome editing. Nature. 2018 Oct;562(7726):217-222. Futreal PA et al. BRCA1 mutations in primary breast and ovarian carcinomas. Science. 1994 Oct 7;266(5182):120-2. Sanz DJ et al. A high proportion of DNA variants of BRCA1 and BRCA2 is associated with aberrant splicing in breast/ovarian cancer patients. Clin Cancer Res. 2010 Mar 15;16(6):1957-67.

Division of Medical Genetics, University of Washington
Classification: Pathogenic for Breast-ovarian cancer, familial, susceptibility to, 1. Last evaluated: 2020-04-09. Review status: criteria provided, single submitter. Criteria: ACMG Guidelines, 2015. Collection method: clinical testing. Allele origin: germline. Affected: no. Study: CSER_CHARM. Not counted in ClinVar's aggregate classification.
Comment: This variant has been reported in the literature in multiple individuals and families with breast and/or ovarian cancer, and has been shown to segregate with disease (Lovelock 2006, Torres 2007, Millevoi 2010, Sagi 2011). This variant has an overall allele frequency of 0.00002 in the Broad Institute gnomAD Browser. In silico analyses indicate this is an evolutionarily conserved residue. Thus, this variant is interpreted as pathogenic. PS4-moderate; PP1; PP3

GeneDx
Classification: Pathogenic. Last evaluated: 2020-02-12. Review status: criteria provided, single submitter. Criteria: GeneDx Variant Classification Process June 2021. Collection method: clinical testing. Allele origin: germline. Affected: yes. Not counted in ClinVar's aggregate classification.
Comment: In silico analysis supports that this missense variant has a deleterious effect on protein structure/function; Also known as 5242 C>A; This variant is associated with the following publications: (PMID: 21702907, 21447777, 21520273, 22044689, 21922593, 17305420, 24742220, 17924331, 12400015, 27286788, 28758972, 28680148, 28477318, 30606148, 28781887, 23867111, 20516115, 20378548, 20215541, 23233716, 11802208, 11157798, 17925560, 19404736, 9159158, 8942979, 8751436, 23199084, 23479189, 15923272, 18036263, 8872468, 18680205, 19770520, 25782689, 15235020, 7939630, 21990134, 25748678, 26071757, 26656232, 25085752, 27742776, 26780556, 27802165, 27272900, 27836010, 27533489, 28339459, 28283652, 28127413, 17080309, 28398198, 28918466, 27463008, 28528518, 28985766, 29021639, 29560538, 21063910, 29884136, 29088781, 29086229, 29433453, 30541753, 29321669, 29907814, 30209399, 30103829, 30630528, 30262796, 29446198, 30322717, 30765603, 27356891, 25525159, 32733560, 33067490, 31589614, 32341426, 32885271, 33087888, 30787465, 33087929)

Laboratory for Molecular Medicine, Mass General Brigham Personalized Medicine
Classification: Pathogenic for Hereditary breast ovarian cancer syndrome. Last evaluated: 2019-04-24. Review status: criteria provided, single submitter. Criteria: LMM Criteria. Collection method: clinical testing. Allele origin: germline. Inheritance: Autosomal dominant inheritance. Observed: 1 variant allele. Not counted in ClinVar's aggregate classification.
Comment: The p.Ala1708Glu variant in BRCA1 has been reported in more than 40 individuals with hereditary breast and ovarian cancer (HBOC) and segregated with disease in at least 5 affected relatives from 3 families (Futreal 1994, Greenman 1998, Blesa 2000, de la Hoya 2002, Infante 2006, Torres 2007, Laitman 2011, Sagi 2011, Laitman 2012, Rodriguez 2012, de Juan 2013, Hernandez 2014). It has also been identified in 2/34580 Latino chromosomes by the Genome Aggregation Database (gnomAD); however, this frequency is low enough to be consistent with the frequency of HBOC in the general population. Computational prediction tools and conservation analysis suggest that this variant may impact the protein. In vitro functional studies provide some evidence that the p.Ala1729Glu variant may cause skipping of exon 18 (Millevoi 2010, Sanz 2010). In addition, this variant was classified as Pathogenic on Aug 10, 2015 by the ClinGen-approved ENIGMA Expert Panel (ClinVar SCV000244385.1). In summary, the p.Ala1729Glu variant meets criteria to be classified as pathogenic for autosomal dominant HBOC. ACMG/AMP Criteria applied: PS4, PM2, PS3_Moderate, PP1_Moderate.

Mendelics
Classification: Pathogenic for Hereditary breast and ovarian cancer syndrome. Last evaluated: 2018-07-02. Review status: criteria provided, single submitter. Criteria: Mendelics Assertion Criteria 2017. Collection method: clinical testing. Allele origin: unknown. Not counted in ClinVar's aggregate classification.

Baylor Genetics
Classification: Pathogenic for Familial cancer of breast. Last evaluated: 2017-02-23. Review status: criteria provided, single submitter. Criteria: ACMG Guidelines, 2015. Collection method: clinical testing. Allele origin: germline. Inheritance: Autosomal dominant inheritance. Affected: yes. Observed: 1 variant allele. Not counted in ClinVar's aggregate classification.

Women's Health and Genetics/Laboratory Corporation of America, LabCorp
Classification: Pathogenic for Hereditary breast ovarian cancer syndrome. Last evaluated: 2017-01-26. Review status: criteria provided, single submitter. Criteria: LabCorp Variant Classification Summary - May 2015. Collection method: clinical testing. Allele origin: germline. Not counted in ClinVar's aggregate classification.
Comment: Variant summary: The BRCA1 c.5123C>A (p.Ala1708Glu) variant involves the alteration of a conserved nucleotide located in the BRCT domain of the protein (InterPro). 5/5 in silico tools predict a damaging outcome for this substitution. This variant was found in 3/120626 control chromosomes at a frequency of 0.0000249, which does not exceed the estimated maximal expected allele frequency of a pathogenic BRCA1 variant (0.0010005). It was reported in several HBOC patients indicating pathogenicity. Additionally, a functional study demonstrated the variant to result in inappropriate skipping of the entire exon 18, to reduce structural stability, phosphopeptide binding and transcription activity further supporting a deleterious impact. Several variants affecting the same codon are reported in UMD/HGMD/ClinVar such as UMD: c.5123C>G (p.Ala1708Gly), c.5123C>T (p.Ala1708Val), c.5123delC (p.Ala1708GlyfsX6), c.5124G>A (p.Ala1708Ala), c.5122G>C (p.Ala1708Pro) indicating the variant to be located in a mutational hotspot. In addition, multiple clinical diagnostic laboratories/reputable databases classified this variant as pathogenic. Taken together, this variant is classified as pathogenic.

Genologica Medica
Classification: Pathogenic for Breast-ovarian cancer, familial, susceptibility to, 1. Last evaluated: 2017-01-01. Review status: criteria provided, single submitter. Criteria: ACMG Guidelines, 2015. Collection method: clinical testing. Allele origin: germline. Affected: yes. Not counted in ClinVar's aggregate classification.

Consortium of Investigators of Modifiers of BRCA1/2 (CIMBA), c/o University of Cambridge
Classification: Pathogenic for Breast-ovarian cancer, familial, susceptibility to, 1. Last evaluated: 2015-10-02. Review status: criteria provided, single submitter. Criteria: CIMBA Mutation Classification guidelines May 2016. Collection method: clinical testing. Allele origin: germline. Not counted in ClinVar's aggregate classification.

Clinical Genetics DNA and cytogenetics Diagnostics Lab, Erasmus MC, Erasmus Medical Center
Classification: Pathogenic for Breast-ovarian cancer, familial, susceptibility to, 1. Last evaluated: 2015-09-21. Review status: criteria provided, single submitter. Criteria: ACGS Guidelines, 2013. Collection method: clinical testing. Allele origin: germline. Affected: yes. Study: VKGL Data-share Consensus. Not counted in ClinVar's aggregate classification.

Clinical and Functional Genomics Group, A.C.Camargo Cancer Center
Classification: Pathogenic for Breast Cancer. Review status: criteria provided, single submitter. Criteria: Silva et al. (BMC Med Genet. 2014). Collection method: research. Allele origin: germline. Affected: yes. Not counted in ClinVar's aggregate classification.

Medical Genetics Laboratory, Umraniye Training and Research Hospital, University of Health Sciences
Classification: Pathogenic for Breast carcinoma. Last evaluated: 2021-08-21. Review status: no assertion criteria provided. Collection method: clinical testing. Allele origin: germline. Inheritance: Autosomal dominant inheritance. Affected: yes. Observed: 1 variant allele, 1 heterozygote. Not counted in ClinVar's aggregate classification.
Comment: Invasive ductal carcinoma EST= - PRO = - HER2 = - KI = 75%

Molecular Oncology, Hospital Universitario Central de Asturias (HUCA)
Classification: Pathogenic for Breast-ovarian cancer, familial, susceptibility to, 1. Last evaluated: 2021-05-24. Review status: no assertion criteria provided. Collection method: case-control. Allele origin: germline. Affected: yes. Not counted in ClinVar's aggregate classification.

BRCAlab, Lund University
Classification: Pathogenic for Breast-ovarian cancer, familial, susceptibility to, 1. Last evaluated: 2020-03-02. Review status: no assertion criteria provided. Collection method: clinical testing. Allele origin: germline. Affected: yes. Not counted in ClinVar's aggregate classification.

Counsyl
Classification: Pathogenic for Breast-ovarian cancer, familial, susceptibility to, 1. Last evaluated: 2017-01-26. Review status: no assertion criteria provided. Collection method: clinical testing. Allele origin: unknown. Not counted in ClinVar's aggregate classification.

Institute of Human Genetics, Medical University Innsbruck
Classification: Pathogenic for Breast-ovarian cancer, familial 1. Last evaluated: 2015-02-11. Review status: no assertion criteria provided. Criteria: clinical testing. Collection method: clinical testing. Allele origin: germline. Affected: yes. Study: BRCA-Tyrol. Not counted in ClinVar's aggregate classification.
Comment: BRCA-mutation spectrum Western Austria

Research Molecular Genetics Laboratory, Women's College Hospital, University of Toronto
Classification: Pathogenic for Hereditary breast ovarian cancer syndrome. Last evaluated: 2014-01-31. Review status: no assertion criteria provided. Collection method: research. Allele origin: germline. Affected: yes. Study: The Canadian Open Genetics Repository (COGR). Not counted in ClinVar's aggregate classification.